The following is an entry in ClinVar:

ClinVar aggregate classification (germline): Pathogenic (1 of 4 stars; one submission).

Conditions:
Peroxisome biogenesis disorder. Identifiers: Orphanet 79189, MedGen C1832200, MONDO:0019234. Disease mechanism: loss of function.

Allele frequency attached by ClinVar (database versions not stated): gnomAD exomes below 0.00001.
gnomAD v4.1: 1 of 1,588,716 alleles (0.000063%); no homozygotes.

Submission:

Labcorp Genetics (formerly Invitae), Labcorp
Classification: Pathogenic for Peroxisome biogenesis disorder. Last evaluated: 2023-07-03. Review status: criteria provided, single submitter. Criteria: Invitae Variant Classification Sherloc (09022015). Collection method: clinical testing. Allele origin: germline.
Comment: This sequence change creates a premature translational stop signal (p.Glu502*) in the PEX6 gene. It is expected to result in an absent or disrupted protein product. Loss-of-function variants in PEX6 are known to be pathogenic (PMID: 8670792, 19877282, 21031596). This variant is not present in population databases (gnomAD no frequency). This variant has not been reported in the literature in individuals affected with PEX6-related conditions. For these reasons, this variant has been classified as Pathogenic.

Literature cited by the submitters: PubMed 8670792; PubMed 19877282; PubMed 21031596.

NM_000287.4(PEX6):c.1504G>T (p.Glu502Ter)

Gene: PEX6 (peroxisomal biogenesis factor 6; minus strand). Cytogenetic location: 6p21.1.
Variant type: single nucleotide variant.
Coding change: c.1504G>T on transcript NM_000287.4 (MANE Select); coding-DNA position 1504, G replaced by T.
Protein change: p.Glu502Ter; replaces glutamic acid 502 with a stop codon.
Molecular consequence: nonsense. On other transcripts: non-coding transcript variant (1).
Genome position (GRCh38, 1-based): chr6:42,968,474, C>A on the plus strand (G>T on the coding strand, the complement: PEX6 is on the minus strand). VCF-style: chr6-42968474-C-A. GRCh37 (hg19) VCF-style: chr6-42936212-C-A.
Other names: c.1240G>T, p.Glu414Ter (NM_001316313.2); short protein forms E414*, E502*.
Identifiers: ClinVar variation 2958060 (VCV002958060.3), dbSNP rs2481225669, ClinGen allele CA364154589.